The following is an entry in ClinVar:

ClinVar aggregate classification (germline): Pathogenic. Review status: criteria provided, multiple submitters, no conflicts (2 of 4 stars). 5 submissions from 5 submitters: Pathogenic (3). 2 of the submissions do not count toward it. Last evaluated 2025-12-26.

Conditions:
Hereditary cancer-predisposing syndrome. Also called: Hereditary neoplastic syndrome; Neoplastic Syndromes, Hereditary; Hereditary Cancer Syndrome; Tumor predisposition. Identifiers: Orphanet 140162, MedGen C0027672, MeSH D009386, MONDO:0015356.
Familial cancer of breast. Also called: BREAST CANCER, FAMILIAL; Hereditary breast cancer; hereditary breast carcinoma. Identifiers: Orphanet 227535, MedGen C0346153, MONDO:0016419, OMIM 114480. Disease mechanism: loss of function.

Submissions (5):

Labcorp Genetics (formerly Invitae), Labcorp
Classification: Pathogenic for Familial cancer of breast. Last evaluated: 2025-12-26. Review status: criteria provided, single submitter. Criteria: Invitae Variant Classification Sherloc (09022015). Collection method: clinical testing. Allele origin: germline.
Comment: This sequence change creates a premature translational stop signal (p.Gln1175*) in the PALB2 gene. While this is not anticipated to result in nonsense mediated decay, it is expected to disrupt the last 12 amino acid(s) of the PALB2 protein. This variant is not present in population databases (gnomAD no frequency). This variant has not been reported in the literature in individuals affected with PALB2-related conditions. ClinVar contains an entry for this variant (Variation ID: 530070). This variant disrupts a region of the PALB2 protein in which other variant(s) (p.Tyr1183*) have been determined to be pathogenic (PMID: 17200668, 17200671, 21365267, 24949998, 26681312). This suggests that this is a clinically significant region of the protein, and that variants that disrupt it are likely to be disease-causing. For these reasons, this variant has been classified as Pathogenic.

Myriad Genetics, Inc.
Classification: Pathogenic for Familial cancer of breast. Last evaluated: 2023-09-15. Review status: criteria provided, single submitter. Criteria: Myriad Autosomal Dominant, Autosomal Recessive and X-Linked Classification Criteria (2023). Collection method: clinical testing. Allele origin: unknown.
Comment: This variant is considered pathogenic. This variant creates a termination codon and is predicted to result in premature protein truncation.

Ambry Genetics
Classification: Pathogenic for Hereditary cancer-predisposing syndrome. Last evaluated: 2022-02-07. Review status: criteria provided, single submitter. Criteria: Ambry Variant Classification Scheme 2023. Collection method: clinical testing. Allele origin: germline.
Comment: The p.Q1175* pathogenic mutation (also known as c.3523C>T), located in coding exon 13 of the PALB2 gene, results from a C to T substitution at nucleotide position 3523. This changes the amino acid from a glutamine to a stop codon within coding exon 13. This alteration occurs at the 3' terminus of thePALB2 gene, is not expected to trigger nonsense-mediated mRNA decay, and only impacts the last 12 amino acids of the protein. However, premature stop codons are typically deleterious in nature and the impacted region is critical for protein function (Ambry internal data). Another truncating alteration downstream, p.Y1183*, has been observed in an individual with clinical features of Fanconi Anemia-N (FA-N) who carried p.Y1183* in conjunction with a PALB2 frameshift mutation and was found to have no detectable PALB2 protein in lymphoblastoid cells (Reid S et al. Nat. Genet. 2007 Feb;39:162-4). This variant is considered to be rare based on population cohorts in the Genome Aggregation Database (gnomAD). Based on the supporting evidence, this alteration is interpreted as a disease-causing mutation.

Diagnostic Laboratory, Department of Genetics, University Medical Center Groningen
Classification: Pathogenic. Review status: no assertion criteria provided. Collection method: clinical testing. Allele origin: germline. Affected: yes. Study: VKGL Data-share Consensus. Not counted in ClinVar's aggregate classification.

Genome Diagnostics Laboratory, University Medical Center Utrecht
Classification: Pathogenic. Review status: no assertion criteria provided. Collection method: clinical testing. Allele origin: germline. Affected: yes. Study: VKGL Data-share Consensus. Not counted in ClinVar's aggregate classification.

Literature cited by the submitters: PubMed 17200668 (cited by Labcorp Genetics (formerly Invitae), Labcorp); PubMed 17200671 (cited by Labcorp Genetics (formerly Invitae), Labcorp and Ambry Genetics); PubMed 21365267 (cited by Labcorp Genetics (formerly Invitae), Labcorp); PubMed 24949998 (cited by Labcorp Genetics (formerly Invitae), Labcorp); PubMed 26681312 (cited by Labcorp Genetics (formerly Invitae), Labcorp).

NM_024675.4(PALB2):c.3523C>T (p.Gln1175Ter)

Gene: PALB2 (partner and localizer of BRCA2; minus strand). Cytogenetic location: 16p12.2.
Variant type: single nucleotide variant.
Coding change: c.3523C>T on transcript NM_024675.4 (MANE Select); coding-DNA position 3523, C replaced by T.
Protein change: p.Gln1175Ter; replaces glutamine 1175 with a stop codon.
Molecular consequence: nonsense.
Genome position (GRCh38, 1-based): chr16:23,603,497, G>A on the plus strand (C>T on the coding strand, the complement: PALB2 is on the minus strand). VCF-style: chr16-23603497-G-A. GRCh37 (hg19) VCF-style: chr16-23614818-G-A.
Other names: short protein forms Q1175*.
Identifiers: ClinVar variation 530070 (VCV000530070.15), dbSNP rs1555457841, ClinGen allele CA395137833.